The following is an entry in ClinVar:

ClinVar aggregate classification (germline): Uncertain significance (1 of 4 stars; one submission).

Submission:

Labcorp Genetics (formerly Invitae), Labcorp
Classification: Uncertain significance. Last evaluated: 2022-01-21. Review status: criteria provided, single submitter. Criteria: Invitae Variant Classification Sherloc (09022015). Collection method: clinical testing. Allele origin: germline.
Comment: In summary, the available evidence is currently insufficient to determine the role of this variant in disease. Therefore, it has been classified as a Variant of Uncertain Significance. Algorithms developed to predict the effect of sequence changes on RNA splicing suggest that this variant may create or strengthen a splice site. Algorithms developed to predict the effect of missense changes on protein structure and function are either unavailable or do not agree on the potential impact of this missense change (SIFT: "Tolerated"; PolyPhen-2: "Possibly Damaging"; Align-GVGD: "Class C0"). This variant has not been reported in the literature in individuals affected with ADGRV1-related conditions. This variant is not present in population databases (gnomAD no frequency). This sequence change replaces phenylalanine, which is neutral and non-polar, with valine, which is neutral and non-polar, at codon 3200 of the ADGRV1 protein (p.Phe3200Val).

NM_032119.4(ADGRV1):c.9598T>G (p.Phe3200Val)

Gene: ADGRV1 (adhesion G protein-coupled receptor V1; plus strand). Cytogenetic location: 5q14.3.
Variant type: single nucleotide variant.
Coding change: c.9598T>G on transcript NM_032119.4 (MANE Select); coding-DNA position 9598, T replaced by G.
Protein change: p.Phe3200Val; replaces phenylalanine 3200 with valine.
Molecular consequence: missense variant. On other transcripts: non-coding transcript variant (1).
Genome position (GRCh38, 1-based): chr5:90,720,198, T>G. VCF-style: chr5-90720198-T-G. GRCh37 (hg19) VCF-style: chr5-90016015-T-G.
Other names: short protein forms F3200V.
Identifiers: ClinVar variation 2088472 (VCV002088472.4), dbSNP rs1398280826, ClinGen allele CA360400015.
Genomic context (GRCh38, chr5:90,720,198, plus strand): 5'-CTAGGGGTGCATGTTCAAACCCTGATAACAGTTTTGCAAAACCAGGCCCCTTTGGGGCTA[T>G]TCAGTATCTCTGCAGTTGAAAATAGGTATAGTTTATTCATAAGGAAATTATCACTTCTGA-3'
Protein context (NP_115495.3, residues 3190-3210): VLQNQAPLGL[Phe3200Val]SISAVENRAT